The following is an entry in ClinVar:

NM_021930.6(RINT1):c.532T>C (p.Tyr178His)

Gene: RINT1 (RAD50 interactor 1; plus strand). Cytogenetic location: 7q22.3.
Variant type: single nucleotide variant.
Coding change: c.532T>C on transcript NM_021930.6 (MANE Select); coding-DNA position 532, T replaced by C.
Protein change: p.Tyr178His; replaces tyrosine 178 with histidine.
Molecular consequence: missense variant. On other transcripts: 5 prime UTR variant (2), non-coding transcript variant (1), intron variant (1).
Genome position (GRCh38, 1-based): chr7:105,546,926, T>C. VCF-style: chr7-105546926-T-C. GRCh37 (hg19) VCF-style: chr7-105187373-T-C.
Other names: c.298T>C, p.Tyr100His (NM_001346599.2); c.-488T>C (NM_001346600.2); c.-391T>C (NM_001346601.2); c.-27-3129T>C (NM_001346603.2); c.532T>C (NM_021930.5); short protein forms Y178H, Y100H.
Identifiers: ClinVar variation 241410 (VCV000241410.16), dbSNP rs139565013, ClinGen allele CA4426460.

ClinVar aggregate classification (germline): Likely benign. Review status: criteria provided, multiple submitters, no conflicts (2 of 4 stars). 4 submissions from 4 submitters: Likely benign (3). 1 of the submissions does not count toward it. Last evaluated 2026-05-26.

Conditions:
RINT1-related disorder. Also called: RINT1-related condition.

Allele frequency attached by ClinVar (database versions not stated): 1000 Genomes Project 0.00020; TOPMed 0.00029; 1000 Genomes Project 30x 0.00031; gnomAD 0.00032 and 0.00042; gnomAD exomes 0.00039 and 0.00060; ESP Exome Variant Server 0.00062; ExAC 0.00071.

Submissions (4):

PreventionGenetics, part of Exact Sciences
Classification: Likely benign for RINT1-related condition. Last evaluated: 2026-05-26. Review status: criteria provided, single submitter. Criteria: ACMG Guidelines, 2015. Collection method: clinical testing. Allele origin: germline.
Comment: This variant is classified as likely benign based on ACMG/AMP sequence variant interpretation guidelines (Richards et al. 2015 PMID: 25741868, with internal and published modifications).

Labcorp Genetics (formerly Invitae), Labcorp
Classification: Likely benign. Last evaluated: 2026-01-24. Review status: criteria provided, single submitter. Criteria: Invitae Variant Classification Sherloc (09022015). Collection method: clinical testing. Allele origin: germline.

Ambry Genetics
Classification: Likely benign. Last evaluated: 2020-07-02. Review status: criteria provided, single submitter. Criteria: Ambry Variant Classification Scheme 2023. Collection method: clinical testing. Allele origin: germline.

Department of Pathology and Laboratory Medicine, Sinai Health System
Classification: Likely benign. Review status: no assertion criteria provided. Collection method: clinical testing. Allele origin: unknown. Affected: yes. Study: The Canadian Open Genetics Repository (COGR). Not counted in ClinVar's aggregate classification.
Comment: The RINT1 p.Y178H variant was identified in two individuals with breast cancer, as well as in one healthy control (Li_2016_PMID: 27544226; Park_2014_PMID: 25050558). Â¬â€ The variant was not identified in COSMIC, but it was identified in dbSNP (ID: rs139565013) and ClinVar (classified as likely benign by Invitae). The variant was identified in control databases in 155 of 269824 chromosomes (2 homozygous) at a frequency of 0.0005744 (Genome Aggregation Database March 6, 2019, v2.1.1). The p.Y178 residue is conserved in mammals however computational analyses (MUT Assesor, PolyPhen-2, SIFT, MutationTaster, Revel, FATHMM, MetaLR, DANN) do not suggest a high likelihood of impact to the protein; this information is not predictive enough to rule out pathogenicity. The variant occurs outside of the splicing consensus sequence and in silico or computational prediction software programs (Splice AI exome) do not predict a deleterious effect on splicing. In summary, based on the above information the clinical significance of this variant cannot be determined with certainty at this time although we would lean towards a more benign role for this variant. This variant is classified as likely benign.